The following is an entry in ClinVar:

NM_000257.4(MYH7):c.3215A>T (p.Asp1072Val)

Gene: MYH7 (myosin heavy chain 7; minus strand). Cytogenetic location: 14q11.2.
Variant type: single nucleotide variant.
Coding change: c.3215A>T on transcript NM_000257.4 (MANE Select); coding-DNA position 3215, A replaced by T.
Protein change: p.Asp1072Val; replaces aspartic acid 1072 with valine.
Molecular consequence: missense variant.
Genome position (GRCh38, 1-based): chr14:23,422,210, T>A on the plus strand (A>T on the coding strand, the complement: MYH7 is on the minus strand). VCF-style: chr14-23422210-T-A. GRCh37 (hg19) VCF-style: chr14-23891419-T-A.
Other names: c.3215A>T, p.Asp1072Val (NM_001407004.1); short protein forms D1072V.
Identifiers: ClinVar variation 4801933 (VCV004801933.1).

ClinVar aggregate classification (germline): Uncertain significance (1 of 4 stars; one submission).

Conditions:
Hypertrophic cardiomyopathy. Also called: HYPERTROPHIC MYOCARDIOPATHY. Identifiers: Orphanet 217569, MedGen C0007194, MeSH D002312, MONDO:0005045, HP:0001639.

Submission:

Labcorp Genetics (formerly Invitae), Labcorp
Classification: Uncertain significance for Hypertrophic cardiomyopathy. Last evaluated: 2025-11-12. Review status: criteria provided, single submitter. Criteria: Invitae Variant Classification Sherloc (09022015). Collection method: clinical testing. Allele origin: germline.
Comment: This sequence change replaces aspartic acid, which is acidic and polar, with valine, which is neutral and non-polar, at codon 1072 of the MYH7 protein (p.Asp1072Val). This variant is not present in population databases (gnomAD no frequency). This variant has not been reported in the literature in individuals affected with MYH7-related conditions. Invitae Evidence Modeling of protein sequence and biophysical properties (such as structural, functional, and spatial information, amino acid conservation, physicochemical variation, residue mobility, and thermodynamic stability) indicates that this missense variant is expected to disrupt MYH7 protein function with a positive predictive value of 95%. In summary, the available evidence is currently insufficient to determine the role of this variant in disease. Therefore, it has been classified as a Variant of Uncertain Significance.